The following is an entry in ClinVar:

NM_001040108.2(MLH3):c.2809A>G (p.Thr937Ala)

Gene: MLH3 (mutL homolog 3; minus strand). Cytogenetic location: 14q24.3.
Variant type: single nucleotide variant.
Coding change: c.2809A>G on transcript NM_001040108.2 (MANE Select); coding-DNA position 2809, A replaced by G.
Protein change: p.Thr937Ala; replaces threonine 937 with alanine.
Molecular consequence: missense variant.
Genome position (GRCh38, 1-based): chr14:75,046,847, T>C on the plus strand (A>G on the coding strand, the complement: MLH3 is on the minus strand). VCF-style: chr14-75046847-T-C. GRCh37 (hg19) VCF-style: chr14-75513550-T-C.
Other names: c.2809A>G, p.Thr937Ala (NM_014381.3); short protein forms T937A.
Identifiers: ClinVar variation 1796291 (VCV001796291.2), dbSNP rs2503260157, ClinGen allele CA390438389.
Genomic context (GRCh38, chr14:75,046,847, plus strand): 5'-TGTTAGAATGTGTTTTACTATTTTTATTAAAGGAATTATCCTGTGTGGCAGAATCTGATG[T>C]TGGGATGACACCATTCTCTGTTTTTTCATGCTTGTTGTTAAATAACATACAAAAATCTTG-3'
Protein context (NP_001035197.1, residues 927-947): HEKTENGVIP[Thr937Ala]SDSATQDNSF

ClinVar aggregate classification (germline): Uncertain significance (1 of 4 stars; one submission).

Allele frequency attached by ClinVar (database versions not stated): gnomAD exomes below 0.00001.
gnomAD v4.1: 1 of 1,614,138 alleles (0.000062%); highest among the groups gnomAD compares: Non-Finnish European, 0.000085%; no homozygotes.

Submission:

Ambry Genetics
Classification: Uncertain significance. Last evaluated: 2022-08-16. Review status: criteria provided, single submitter. Criteria: Ambry Variant Classification Scheme 2023. Collection method: clinical testing. Allele origin: germline.
Comment: The p.T937A variant (also known as c.2809A>G), located in coding exon 1 of the MLH3 gene, results from an A to G substitution at nucleotide position 2809. The threonine at codon 937 is replaced by alanine, an amino acid with similar properties. This amino acid position is conserved. In addition, this alteration is predicted to be tolerated by in silico analysis. Since supporting evidence is limited at this time, the clinical significance of this alteration remains unclear.